The following is an entry in ClinVar:

ClinVar aggregate classification (germline): Conflicting classifications of pathogenicity. Review status: criteria provided, conflicting classifications (1 of 4 stars). 2 submissions from 2 submitters: Likely pathogenic (1); Uncertain significance (1). Last evaluated 2022-05-06.

gnomAD v4.1: 1 of 1,611,916 alleles (0.000062%); highest among the groups gnomAD compares: Non-Finnish European, 0.000085%; no homozygotes.

Submissions (2):

Labcorp Genetics (formerly Invitae), Labcorp
Classification: Uncertain significance. Last evaluated: 2022-05-06. Review status: criteria provided, single submitter. Criteria: Invitae Variant Classification Sherloc (09022015). Collection method: clinical testing. Allele origin: germline.
Comment: This variant has not been reported in the literature in individuals affected with FLVCR1-related conditions. This variant is not present in population databases (gnomAD no frequency). This sequence change replaces methionine, which is neutral and non-polar, with isoleucine, which is neutral and non-polar, at codon 439 of the FLVCR1 protein (p.Met439Ile). In summary, the available evidence is currently insufficient to determine the role of this variant in disease. Therefore, it has been classified as a Variant of Uncertain Significance. Algorithms developed to predict the effect of missense changes on protein structure and function are either unavailable or do not agree on the potential impact of this missense change (SIFT: "Deleterious"; PolyPhen-2: "Possibly Damaging"; Align-GVGD: "Class C0"). ClinVar contains an entry for this variant (Variation ID: 987330).

Institute of Medical Genetics and Applied Genomics, University Hospital Tübingen
Classification: Likely pathogenic. Last evaluated: 2020-10-23. Review status: criteria provided, single submitter. Criteria: ACMG Guidelines, 2015. Collection method: clinical testing. Allele origin: germline. Inheritance: Autosomal recessive inheritance. Affected: yes.

NM_014053.4(FLVCR1):c.1317G>A (p.Met439Ile)

Gene: FLVCR1 (FLVCR choline and heme transporter 1; plus strand). Cytogenetic location: 1q32.3.
Variant type: single nucleotide variant.
Coding change: c.1317G>A on transcript NM_014053.4 (MANE Select); coding-DNA position 1317, G replaced by A.
Protein change: p.Met439Ile; replaces methionine 439 with isoleucine.
Molecular consequence: missense variant.
Genome position (GRCh38, 1-based): chr1:212,888,498, G>A. VCF-style: chr1-212888498-G-A. GRCh37 (hg19) VCF-style: chr1-213061840-G-A.
Other names: short protein forms M439I.
Identifiers: ClinVar variation 987330 (VCV000987330.10), dbSNP rs1665113651, ClinGen allele CA344793112.
Genomic context (GRCh38, chr1:212,888,498, plus strand): 5'-GATTGTGACTTTCTGGTAGTTCTTTCTGTAATTCTGGATTTATTTTCCTAGCTTCTTCAT[G>A]ACTGGTTACCTCCCTTTGGGTTTTGAATTTGCTGTTGAAATCACTTACCCTGAATCTGAA-3'
Protein context (NP_054772.1, residues 429-449): FVTGGVLGFF[Met439Ile]TGYLPLGFEF